The following is an entry in ClinVar:

ClinVar aggregate classification (germline): Uncertain significance. Review status: criteria provided, single submitter (1 of 4 stars). 2 submissions from 2 submitters: Uncertain significance (1). 1 of the submissions does not count toward it. Last evaluated 2022-02-01.

Conditions:
COL9A2-related disorder. Also called: COL9A2-related condition.

Allele frequency attached by ClinVar (database versions not stated): gnomAD exomes below 0.00001.
gnomAD v4.1: 1 of 1,562,328 alleles (0.000064%); no homozygotes.

Submissions (2):

Labcorp Genetics (formerly Invitae), Labcorp
Classification: Uncertain significance. Last evaluated: 2022-02-01. Review status: criteria provided, single submitter. Criteria: Invitae Variant Classification Sherloc (09022015). Collection method: clinical testing. Allele origin: germline.
Comment: In summary, the available evidence is currently insufficient to determine the role of this variant in disease. Therefore, it has been classified as a Variant of Uncertain Significance. Advanced modeling of protein sequence and biophysical properties (such as structural, functional, and spatial information, amino acid conservation, physicochemical variation, residue mobility, and thermodynamic stability) performed at Invitae indicates that this missense variant is expected to disrupt COL9A2 protein function. This variant has not been reported in the literature in individuals affected with COL9A2-related conditions. This variant is not present in population databases (gnomAD no frequency). This sequence change replaces glycine, which is neutral and non-polar, with glutamic acid, which is acidic and polar, at codon 463 of the COL9A2 protein (p.Gly463Glu).

PreventionGenetics, part of Exact Sciences
Classification: Uncertain significance for COL9A2-related condition. Last evaluated: 2024-03-21. Review status: no assertion criteria provided. Collection method: clinical testing. Allele origin: germline. Not counted in ClinVar's aggregate classification.
Comment: The COL9A2 c.1388G>A variant is predicted to result in the amino acid substitution p.Gly463Glu. To our knowledge, this variant has not been reported in the literature or in a large population database, indicating this variant is rare. At this time, the clinical significance of this variant is uncertain due to the absence of conclusive functional and genetic evidence.

NM_001852.4(COL9A2):c.1388G>A (p.Gly463Glu)

Gene: COL9A2 (collagen type IX alpha 2 chain; minus strand). Cytogenetic location: 1p34.2.
Variant type: single nucleotide variant.
Coding change: c.1388G>A on transcript NM_001852.4 (MANE Select); coding-DNA position 1388, G replaced by A.
Protein change: p.Gly463Glu; replaces glycine 463 with glutamic acid.
Molecular consequence: missense variant.
Genome position (GRCh38, 1-based): chr1:40,303,820, C>T on the plus strand (G>A on the coding strand, the complement: COL9A2 is on the minus strand). VCF-style: chr1-40303820-C-T. GRCh37 (hg19) VCF-style: chr1-40769492-C-T.
Other names: c.1388G>A (NM_001852.3); short protein forms G463E.
Identifiers: ClinVar variation 2091356 (VCV002091356.5), dbSNP rs2522490641, ClinGen allele CA339879244.